The following is an entry in ClinVar:

ClinVar aggregate classification (germline): Likely benign. Review status: criteria provided, single submitter (1 of 4 stars). 2 submissions from 2 submitters: Likely benign (1). 1 of the submissions does not count toward it. Last evaluated 2025-10-26.

Conditions:
SEMA3E-related disorder. Also called: SEMA3E-related condition.
CHARGE syndrome (CHARGE). Also called: Hittner Hirsch Kreh syndrome; CHARGE ASSOCIATION--COLOBOMA, HEART ANOMALY, CHOANAL ATRESIA, RETARDATION, GENITAL AND EAR ANOMALIES; Coloboma, heart anomaly, choanal atresia, retardation, genital and ear anomalies; CHARGE association; Hall-Hittner syndrome. Identifiers: Orphanet 138, MedGen C0265354, MONDO:0008965.

gnomAD v4.1: 1 of 1,614,142 alleles (0.000062%); highest among the groups gnomAD compares: Non-Finnish European, 0.000085%; no homozygotes.

Submissions (2):

Labcorp Genetics (formerly Invitae), Labcorp
Classification: Likely benign for CHARGE syndrome. Last evaluated: 2025-10-26. Review status: criteria provided, single submitter. Criteria: Invitae Variant Classification Sherloc (09022015). Collection method: clinical testing. Allele origin: germline.

PreventionGenetics, part of Exact Sciences
Classification: Likely benign for SEMA3E-related condition. Last evaluated: 2022-03-17. Review status: no assertion criteria provided. Collection method: clinical testing. Allele origin: germline. Not counted in ClinVar's aggregate classification.
Comment: This variant is classified as likely benign based on ACMG/AMP sequence variant interpretation guidelines (Richards et al. 2015 PMID: 25741868, with internal and published modifications).

NM_012431.3(SEMA3E):c.2259C>T (p.Asn753=)

Gene: SEMA3E (semaphorin 3E; minus strand). Cytogenetic location: 7q21.11.
Variant type: single nucleotide variant.
Coding change: c.2259C>T on transcript NM_012431.3 (MANE Select); coding-DNA position 2259, C replaced by T.
Protein change: p.Asn753=; no amino-acid change (asparagine 753 retained).
Molecular consequence: synonymous variant.
Genome position (GRCh38, 1-based): chr7:83,367,655, G>A on the plus strand (C>T on the coding strand, the complement: SEMA3E is on the minus strand). VCF-style: chr7-83367655-G-A. GRCh37 (hg19) VCF-style: chr7-82996971-G-A.
Other names: c.2079C>T, p.Asn693= (NM_001178129.2).
Identifiers: ClinVar variation 3352419 (VCV003352419.2).